The following is an entry in ClinVar:

ClinVar aggregate classification (germline): Uncertain significance (1 of 4 stars; one submission).

Submission:

GeneDx
Classification: Uncertain significance. Last evaluated: 2024-09-27. Review status: criteria provided, single submitter. Criteria: GeneDx Variant Classification Process June 2021. Collection method: clinical testing. Allele origin: germline. Affected: yes.
Comment: Not observed at significant frequency in large population cohorts (gnomAD); In silico analysis supports that this missense variant has a deleterious effect on protein structure/function; Has not been previously published as pathogenic or benign to our knowledge

NM_030665.4(RAI1):c.1090A>T (p.Met364Leu)

Gene: RAI1 (retinoic acid induced 1; plus strand). Cytogenetic location: 17p11.2.
Variant type: single nucleotide variant.
Coding change: c.1090A>T on transcript NM_030665.4 (MANE Select); coding-DNA position 1090, A replaced by T.
Protein change: p.Met364Leu; replaces methionine 364 with leucine.
Molecular consequence: missense variant.
Genome position (GRCh38, 1-based): chr17:17,794,038, A>T. VCF-style: chr17-17794038-A-T. GRCh37 (hg19) VCF-style: chr17-17697352-A-T.
Other names: short protein forms M364L.
Identifiers: ClinVar variation 3774729 (VCV003774729.1).